The following is an entry in ClinVar:

ClinVar aggregate classification (germline): Conflicting classifications of pathogenicity. Review status: criteria provided, conflicting classifications (1 of 4 stars). 3 submissions from 3 submitters: Uncertain significance (1); Likely benign (2). Last evaluated 2024-11-01.

Conditions:
Inborn genetic diseases. Identifiers: MedGen C0950123, MeSH D030342.

Allele frequency attached by ClinVar (database versions not stated): gnomAD exomes 0.00001; TOPMed 0.00007; gnomAD 0.00009; ExAC 0.00011.
gnomAD v4.1: 66 of 1,596,916 alleles (0.0041%); highest among the groups gnomAD compares: East Asian, 0.036%; 1 homozygote.

Submissions (3):

Blueprint Genetics
Classification: Likely benign. Last evaluated: 2024-11-01. Review status: criteria provided, single submitter. Criteria: ACMG Guidelines, 2015. Collection method: clinical testing. Allele origin: germline.

Labcorp Genetics (formerly Invitae), Labcorp
Classification: Uncertain significance. Last evaluated: 2024-10-16. Review status: criteria provided, single submitter. Criteria: Invitae Variant Classification Sherloc (09022015). Collection method: clinical testing. Allele origin: germline.
Comment: This sequence change replaces glycine, which is neutral and non-polar, with serine, which is neutral and polar, at codon 636 of the KIAA1549 protein (p.Gly636Ser). This variant is present in population databases (rs756575861, gnomAD 0.07%). This missense change has been observed in individual(s) with retinitis pigmentosa (internal data). ClinVar contains an entry for this variant (Variation ID: 1056435). An algorithm developed to predict the effect of missense changes on protein structure and function outputs the following: PolyPhen-2: "Benign". The serine amino acid residue is found in multiple mammalian species, which suggests that this missense change does not adversely affect protein function. In summary, the available evidence is currently insufficient to determine the role of this variant in disease. Therefore, it has been classified as a Variant of Uncertain Significance.

Ambry Genetics
Classification: Likely benign for Inborn genetic diseases. Last evaluated: 2023-02-07. Review status: criteria provided, single submitter. Criteria: Ambry Variant Classification Scheme 2023. Collection method: clinical testing. Allele origin: germline.

NM_001164665.2(KIAA1549):c.1906G>A (p.Gly636Ser)

Gene: KIAA1549 (KIAA1549; minus strand). Cytogenetic location: 7q34.
Variant type: single nucleotide variant.
Coding change: c.1906G>A on transcript NM_001164665.2 (MANE Select); coding-DNA position 1906, G replaced by A.
Protein change: p.Gly636Ser; replaces glycine 636 with serine.
Molecular consequence: missense variant.
Genome position (GRCh38, 1-based): chr7:138,917,720, C>T on the plus strand (G>A on the coding strand, the complement: KIAA1549 is on the minus strand). VCF-style: chr7-138917720-C-T. GRCh37 (hg19) VCF-style: chr7-138602466-C-T.
Other names: c.1906G>A (NM_001164665.1); c.1906G>A, p.Gly636Ser (NM_020910.3); short protein forms G636S.
Identifiers: ClinVar variation 1056435 (VCV001056435.9), dbSNP rs756575861, ClinGen allele CA4506609.